The following is an entry in ClinVar:

ClinVar aggregate classification (germline): Uncertain significance (1 of 4 stars; one submission).

Submission:

GeneDx
Classification: Uncertain significance. Last evaluated: 2024-09-09. Review status: criteria provided, single submitter. Criteria: GeneDx Variant Classification Process June 2021. Collection method: clinical testing. Allele origin: germline. Affected: yes.
Comment: Not observed at significant frequency in large population cohorts (gnomAD); In silico analysis supports that this missense variant has a deleterious effect on protein structure/function; Has not been previously published as pathogenic or benign to our knowledge

NM_001374828.1(ARID1B):c.2515C>G (p.Pro839Ala)

Gene: ARID1B (AT-rich interaction domain 1B; plus strand). Cytogenetic location: 6q25.3.
Variant type: single nucleotide variant.
Coding change: c.2515C>G on transcript NM_001374828.1 (MANE Select); coding-DNA position 2515, C replaced by G.
Protein change: p.Pro839Ala; replaces proline 839 with alanine.
Molecular consequence: missense variant.
Genome position (GRCh38, 1-based): chr6:157,110,495, C>G. VCF-style: chr6-157110495-C-G. GRCh37 (hg19) VCF-style: chr6-157431629-C-G.
Other names: c.16C>G, p.Pro6Ala (NM_001363725.2); c.2554C>G, p.Pro852Ala (NM_001371656.1, NM_001374820.1); c.2515C>G, p.Pro839Ala (NM_017519.3); c.2305C>G (NM_020732.3); short protein forms P6A, P839A, P852A.
Identifiers: ClinVar variation 3769921 (VCV003769921.1).